The following is an entry in ClinVar:

NM_000548.5(TSC2):c.3730C>T (p.His1244Tyr)

Gene: TSC2 (TSC complex subunit 2; plus strand). Cytogenetic location: 16p13.3.
Variant type: single nucleotide variant.
Coding change: c.3730C>T on transcript NM_000548.5 (MANE Select); coding-DNA position 3730, C replaced by T.
Protein change: p.His1244Tyr; replaces histidine 1244 with tyrosine.
Molecular consequence: missense variant.
Genome position (GRCh38, 1-based): chr16:2,081,714, C>T. VCF-style: chr16-2081714-C-T. GRCh37 (hg19) VCF-style: chr16-2131715-C-T.
Other names: c.3598C>T, p.His1200Tyr (NM_001077183.3, NM_001370404.1); c.3730C>T, p.His1244Tyr (NM_001114382.3); c.3490C>T, p.His1164Tyr (NM_001318827.2); c.3454C>T, p.His1152Tyr (NM_001318829.2); c.2998C>T, p.His1000Tyr (NM_001318831.2); c.3631C>T, p.His1211Tyr (NM_001318832.2); c.3601C>T, p.His1201Tyr (NM_001363528.2, NM_001370405.1, NM_021055.3); short protein forms H1244Y, H1164Y, H1200Y, H1201Y, H1152Y, H1000Y, H1211Y.
Identifiers: ClinVar variation 406079 (VCV000406079.23), dbSNP rs993614997, ClinGen allele CA16615000.

ClinVar aggregate classification (germline): Conflicting classifications of pathogenicity. Review status: criteria provided, conflicting classifications (1 of 4 stars). 6 submissions from 6 submitters: Uncertain significance (4); Benign (1); Likely benign (1). Last evaluated 2025-12-11.

Conditions:
Lymphangiomyomatosis (LAM). Also called: Lymphangioleiomyomatosis; Lymphangioleiomyomatosis, somatic. Identifiers: Orphanet 538, MedGen C0751674, MONDO:0011705, OMIM 606690.
Tuberous sclerosis 2 (TSC2). Identifiers: Orphanet 805, MedGen C1860707, MONDO:0013199, OMIM 613254.
Isolated focal cortical dysplasia type II (FCORD2). Also called: CORTICAL DYSPLASIA OF TAYLOR; Focal cortical dysplasia type II. Identifiers: Orphanet 268994, MedGen C1846385, MONDO:0011818, OMIM 607341, HP:0032051.
Hereditary cancer-predisposing syndrome. Also called: Hereditary neoplastic syndrome; Tumor predisposition; Hereditary Cancer Syndrome; Neoplastic Syndromes, Hereditary. Identifiers: Orphanet 140162, MedGen C0027672, MeSH D009386, MONDO:0015356.

Allele frequency attached by ClinVar (database versions not stated): gnomAD 0.00002; gnomAD exomes below 0.00001; TOPMed 0.00003.
gnomAD v4.1: 4 of 1,612,858 alleles (0.00025%); highest among the groups gnomAD compares: African/African-American, 0.0053%; no homozygotes.

Submissions (6):

Ambry Genetics
Classification: Likely benign for Hereditary cancer-predisposing syndrome. Last evaluated: 2025-12-11. Review status: criteria provided, single submitter. Criteria: Ambry Variant Classification Scheme 2023. Collection method: clinical testing. Allele origin: germline.

Labcorp Genetics (formerly Invitae), Labcorp
Classification: Benign for Tuberous sclerosis 2. Last evaluated: 2025-09-08. Review status: criteria provided, single submitter. Criteria: Invitae Variant Classification Sherloc (09022015). Collection method: clinical testing. Allele origin: germline.

GeneDx
Classification: Uncertain significance. Last evaluated: 2024-02-07. Review status: criteria provided, single submitter. Criteria: GeneDx Variant Classification Process June 2021. Collection method: clinical testing. Allele origin: germline.
Comment: Not observed at significant frequency in large population cohorts (gnomAD); In silico analysis supports that this missense variant does not alter protein structure/function; Has not been previously published as pathogenic or benign to our knowledge

Fulgent Genetics
Classification: Uncertain significance for Lymphangiomyomatosis; Isolated focal cortical dysplasia type II; Tuberous sclerosis 2. Last evaluated: 2022-01-20. Review status: criteria provided, single submitter. Criteria: ACMG Guidelines, 2015. Collection method: clinical testing. Allele origin: unknown.

Genome-Nilou Lab
Classification: Uncertain significance for Tuberous sclerosis 2. Last evaluated: 2021-11-07. Review status: criteria provided, single submitter. Criteria: ACMG Guidelines, 2015. Collection method: clinical testing. Allele origin: germline. Affected: no.

Sema4
Classification: Uncertain significance for Hereditary cancer-predisposing syndrome. Last evaluated: 2021-06-14. Review status: criteria provided, single submitter. Criteria: Sema4 Curation Guidelines. Collection method: curation. Allele origin: germline.
Comment: The TSC2 c.3730C>T (p.H1244Y) variant has not been reported in the literature to our knowledge. It was not observed in the large and broad cohorts of the Genome Aggregation Database (PMID: 32461654). The variant has been reported in ClinVar (Variation ID: 406079). In silico tools suggest the impact of the variant on protein function is inconclusive, though these predictions have not been confirmed by functional studies. The evidence is insufficient to meet ACMG/AMP criteria for classifying the variant as benign or pathogenic. Thus, the clinical significance of this variant is currently uncertain.